The following is an entry in ClinVar:

ClinVar aggregate classification (germline): Uncertain significance. Review status: criteria provided, multiple submitters, no conflicts (2 of 4 stars). 3 submissions from 3 submitters: Uncertain significance (3). Last evaluated 2025-12-11.

Conditions:
Inborn genetic diseases. Identifiers: MedGen C0950123, MeSH D030342.

Allele frequency attached by ClinVar (database versions not stated): gnomAD exomes below 0.00001; ExAC 0.00001; gnomAD 0.00002; 1000 Genomes Project 0.00020; 1000 Genomes Project 30x 0.00031.
gnomAD v4.1: 12 of 1,613,774 alleles (0.00074%); highest among the groups gnomAD compares: East Asian, 0.0089%; no homozygotes.

Submissions (3):

Ambry Genetics
Classification: Uncertain significance for Inborn genetic diseases. Last evaluated: 2025-12-11. Review status: criteria provided, single submitter. Criteria: Ambry Variant Classification Scheme 2023. Collection method: clinical testing. Allele origin: germline.

Labcorp Genetics (formerly Invitae), Labcorp
Classification: Uncertain significance. Last evaluated: 2024-02-12. Review status: criteria provided, single submitter. Criteria: Invitae Variant Classification Sherloc (09022015). Collection method: clinical testing. Allele origin: germline.
Comment: This sequence change replaces aspartic acid with asparagine at codon 1018 of the SEC24D protein (p.Asp1018Asn). The aspartic acid residue is highly conserved and there is a small physicochemical difference between aspartic acid and asparagine. This variant is present in population databases (rs532948364, gnomAD 0.003%). This variant has not been reported in the literature in individuals affected with SEC24D-related conditions. ClinVar contains an entry for this variant (Variation ID: 1196804). An algorithm developed to predict the effect of missense changes on protein structure and function (PolyPhen-2) suggests that this variant is likely to be disruptive. In summary, the available evidence is currently insufficient to determine the role of this variant in disease. Therefore, it has been classified as a Variant of Uncertain Significance.

GeneDx
Classification: Uncertain significance. Last evaluated: 2020-07-17. Review status: criteria provided, single submitter. Criteria: GeneDx Variant Classification Process June 2021. Collection method: clinical testing. Allele origin: germline. Affected: yes.
Comment: Not observed at a significant frequency in large population cohorts (Lek et al., 2016); In silico analysis supports that this missense variant has a deleterious effect on protein structure/function; Has not been previously published as pathogenic or benign to our knowledge

NM_014822.4(SEC24D):c.3052G>A (p.Asp1018Asn)

Gene: SEC24D (SEC24 homolog D, COPII component; minus strand). Cytogenetic location: 4q26.
Variant type: single nucleotide variant.
Coding change: c.3052G>A on transcript NM_014822.4 (MANE Select); coding-DNA position 3052, G replaced by A.
Protein change: p.Asp1018Asn; replaces aspartic acid 1018 with asparagine.
Molecular consequence: missense variant.
Genome position (GRCh38, 1-based): chr4:118,723,562, C>T on the plus strand (G>A on the coding strand, the complement: SEC24D is on the minus strand). VCF-style: chr4-118723562-C-T. GRCh37 (hg19) VCF-style: chr4-119644717-C-T.
Other names: c.3055G>A, p.Asp1019Asn (NM_001318066.2); c.3052G>A (NM_014822.2); short protein forms D1018N, D1019N.
Identifiers: ClinVar variation 1196804 (VCV001196804.9), dbSNP rs532948364, ClinGen allele CA3056785.